The following is an entry in ClinVar:

NM_000535.7(PMS2):c.2328G>C (p.Trp776Cys)

Gene: PMS2 (PMS1 homolog 2, mismatch repair system component; minus strand). Cytogenetic location: 7p22.1.
Variant type: single nucleotide variant.
Coding change: c.2328G>C on transcript NM_000535.7 (MANE Select); coding-DNA position 2328, G replaced by C.
Protein change: p.Trp776Cys; replaces tryptophan 776 with cysteine.
Molecular consequence: missense variant. On other transcripts: non-coding transcript variant (1).
Genome position (GRCh38, 1-based): chr7:5,977,705, C>G on the plus strand (G>C on the coding strand, the complement: PMS2 is on the minus strand). VCF-style: chr7-5977705-C-G. GRCh37 (hg19) VCF-style: chr7-6017336-C-G.
Other names: c.1923G>C, p.Trp641Cys (NM_001018040.1, NM_001322003.2, NM_001322004.2 and 12 more transcripts); c.2172G>C, p.Trp724Cys (NM_001322006.2); c.2010G>C, p.Trp670Cys (NM_001322007.2, NM_001322008.2, NM_001406883.1); c.1956G>C, p.Trp652Cys (NM_001322009.2, NM_001406887.1, NM_001406888.1); c.1767G>C, p.Trp589Cys (NM_001322010.2, NM_001406906.1, NM_001406907.1); c.1395G>C, p.Trp465Cys (NM_001322011.2, NM_001322012.2); c.2130G>C, p.Trp710Cys (NM_001406873.1); c.2160G>C, p.Trp720Cys (NM_001406874.1, NM_001406872.1); and 20 more; short protein forms W621C, W641C, W740C, W465C, W519C, W585C, W589C, W618C.
Identifiers: ClinVar variation 2841195 (VCV002841195.3), dbSNP rs2128674810, ClinGen allele CA366735972.

ClinVar aggregate classification (germline): Uncertain significance (1 of 4 stars; one submission).

Conditions:
Hereditary nonpolyposis colorectal neoplasms. Identifiers: MedGen C0009405, MeSH D003123.

Submission:

Labcorp Genetics (formerly Invitae), Labcorp
Classification: Uncertain significance for Hereditary nonpolyposis colorectal neoplasms. Last evaluated: 2023-02-26. Review status: criteria provided, single submitter. Criteria: Invitae Variant Classification Sherloc (09022015). Collection method: clinical testing. Allele origin: germline.
Comment: In summary, the available evidence is currently insufficient to determine the role of this variant in disease. Therefore, it has been classified as a Variant of Uncertain Significance. Advanced modeling of protein sequence and biophysical properties (such as structural, functional, and spatial information, amino acid conservation, physicochemical variation, residue mobility, and thermodynamic stability) performed at Invitae indicates that this missense variant is expected to disrupt PMS2 protein function. This variant has not been reported in the literature in individuals affected with PMS2-related conditions. The frequency data for this variant in the population databases (gnomAD) is considered unreliable due to the presence of homologous sequence, such as pseudogenes or paralogs, in the genome. This sequence change replaces tryptophan, which is neutral and slightly polar, with cysteine, which is neutral and slightly polar, at codon 776 of the PMS2 protein (p.Trp776Cys).